The following is an entry in ClinVar:

NM_001142800.2(EYS):c.8053G>A (p.Gly2685Arg)

Gene: EYS (EGF-like photoreceptor maintenance factor; minus strand). Cytogenetic location: 6q12.
Variant type: single nucleotide variant.
Coding change: c.8053G>A on transcript NM_001142800.2 (MANE Select); coding-DNA position 8053, G replaced by A.
Protein change: p.Gly2685Arg; replaces glycine 2685 with arginine.
Molecular consequence: missense variant.
Genome position (GRCh38, 1-based): chr6:63,762,479, C>T on the plus strand (G>A on the coding strand, the complement: EYS is on the minus strand). VCF-style: chr6-63762479-C-T. GRCh37 (hg19) VCF-style: chr6-64472372-C-T.
Other names: c.8053G>A, p.Gly2685Arg (NM_001292009.2); short protein forms G2685R.
Identifiers: ClinVar variation 4536625 (VCV004536625.1).
Genomic context (GRCh38, chr6:63,762,479, plus strand): 5'-TTATATTTGTGGACAGCAAAATGATTTGAAATTCTGCCTCACCTTGTTCACAGTAGATTC[C>T]AGTGGTTCCTAGAGGACAGAAACAGGTGTATCCATGAGGTAATGAAATGCAGGTTGCTCC-3'
Protein context (NP_001136272.1, residues 2675-2695): YTCFCPLGTT[Gly2685Arg]IYCEQALSIS

ClinVar aggregate classification (germline): Likely pathogenic (1 of 4 stars; one submission).

Conditions:
Retinitis pigmentosa 25 (RP25). Identifiers: Orphanet 791, MedGen C1864446, MONDO:0011272, OMIM 602772.

Submission:

Ophthalmology, Kobe City Eye Hospital
Classification: Likely pathogenic for Retinitis pigmentosa 25. Last evaluated: 2025-11-28. Review status: criteria provided, single submitter. Criteria: Fujinami et al. (Jpn J Ophthalmol. 2024). Collection method: research. Allele origin: germline. Affected: yes. Observed: 1 variant allele.
Comment: This variant was classified according to the ACMG/AMP guidelines. PM2_Moderate: This variant is absent or extremely rare in large population databases such as gnomAD. PM3_Moderate: This variant was identified in trans with a pathogenic EYS variant in an affected individual from our cohort, consistent with a recessive disease mechanism. PM5_Moderate: This missense change occurs at a residue where a different pathogenic amino acid substitution has been previously reported, supporting the functional importance of this codon (PMID: 32728228). PP3_Supporting: Multiple computational prediction tools support a deleterious effect on protein structure or function. PP1_Supporting: The variant shows cosegregation with disease in multiple affected family members. Based on PM2_Moderate, PM3_Moderate, PM5_Moderate, PP3_Supporting, and PP1_Supporting, this variant is classified as likely pathogenic.

Literature cited by the submitters: 32728228.